The following is an entry in ClinVar:

NM_006393.3(NEBL):c.259-21_259-15delinsCCTGG

Gene: NEBL (nebulette; minus strand). Cytogenetic location: 10p12.31.
Variant type: Indel.
Coding change: c.259-21_259-15delinsCCTGG on transcript NM_006393.3 (MANE Select); 21 bases into the intron before coding-DNA position 259 through 15 bases into the intron before coding-DNA position 259, TCCTGTT replaced by CCTGG.
Molecular consequence: intron variant.
Genome position (GRCh38, 1-based): chr10:20,888,222-20,888,228, AACAGGA replaced by CCAGG on the plus strand (TCCTGTT replaced by CCTGG on the coding strand, the reverse complement: NEBL is on the minus strand). VCF-style: chr10-20888222-AACAGGA-CCAGG. GRCh37 (hg19) VCF-style: chr10-21177151-AACAGGA-CCAGG.
Other names: c.249+73444_249+73450delinsCCTGG (NM_001377326.1, NM_001377327.1, NM_001377328.1); c.357+73444_357+73450delinsCCTGG (NM_213569.2, NM_001173484.2, NM_001377322.1); c.300+73444_300+73450delinsCCTGG (NM_001377324.1); c.291+73444_291+73450delinsCCTGG (NM_001377325.1); c.309+73444_309+73450delinsCCTGG (NM_001377323.1); c.259-21_259-15delTCCTGTTinsCCTGG (NM_006393.2).
Identifiers: ClinVar variation 511359 (VCV000511359.1), dbSNP rs1554799332, ClinGen allele CA658797405.

ClinVar aggregate classification (germline): Likely benign (1 of 4 stars; one submission).

Submission:

GeneDx
Classification: Likely benign. Last evaluated: 2017-08-02. Review status: criteria provided, single submitter. Criteria: GeneDx Variant Classification (06012015). Collection method: clinical testing. Allele origin: germline. Affected: yes.
Comment: This variant is considered likely benign or benign based on one or more of the following criteria: it is a conservative change, it occurs at a poorly conserved position in the protein, it is predicted to be benign by multiple in silico algorithms, and/or has population frequency not consistent with disease.